The following is an entry in ClinVar:

NM_001267550.2(TTN):c.80044_80047dup (p.Thr26683fs)

Genes: TTN-AS1 (TTN antisense RNA 1; plus strand), TTN (titin; minus strand). Cytogenetic location: 2q31.2.
Variant type: Duplication.
Coding change: c.80044_80047dup on transcript NM_001267550.2 (MANE Select); coding-DNA positions 80044 to 80047, 4 bases duplicated (GACA; older notation c.80044_80047dupGACA).
Protein change: p.Thr26683fs; shifts the reading frame from threonine 26683.
Molecular consequence: frameshift variant.
Genome position (GRCh38, 1-based): chr2:178,566,085-178,566,088, TGTC duplicated on the plus strand (GACA on the coding strand, the reverse complement: TTN is on the minus strand). VCF-style (leftmost placement, unchanged base first): chr2-178566084-G-GTGTC. GRCh37 (hg19) VCF-style: chr2-179430811-G-GTGTC.
Other names: c.75121_75124dup, p.Thr25042fs (NM_001256850.1); c.52849_52852dup, p.Thr17618fs (NM_003319.4); c.72340_72343dup, p.Thr24115fs (NM_133378.4); c.53224_53227dup, p.Thr17743fs (NM_133432.3); c.53425_53428dup, p.Thr17810fs (NM_133437.4); c.75121_75124dupGACA (NM_001256850.1); short protein forms T24115fs, T17743fs, T17618fs, T17810fs, T25042fs, T26683fs.
Identifiers: ClinVar variation 524097 (VCV000524097.11), dbSNP rs1553586069, ClinGen allele CA658796023.
Genomic context (GRCh38, chr2:178,566,084, plus strand): 5'-ACCAGGAAGGCAGAATCTTTTCTCACTTCTTTGACTGCCAAATTCTGTGGTGGTCCTGGA[G>GTGTC]TGTCAAGAACTTTCACAGTTACAAAAGCAGACTTTGATCCACTGCTGTTTTCCAACTTAA-3'

ClinVar aggregate classification (germline): Likely pathogenic. Review status: criteria provided, multiple submitters, no conflicts (2 of 4 stars). 2 submissions from 2 submitters: Likely pathogenic (2). Last evaluated 2022-03-07.

Conditions:
Autosomal recessive limb-girdle muscular dystrophy type 2J (LGMDR10). Also called: Limb-girdle muscular dystrophy, type 2J; MUSCULAR DYSTROPHY, LIMB-GIRDLE, AUTOSOMAL RECESSIVE 10. Identifiers: Orphanet 140922, MedGen C1837342, MONDO:0012127, OMIM 608807.
Dilated cardiomyopathy 1G (CMD1G). Identifiers: Orphanet 154, MedGen C1858763, MONDO:0011400, OMIM 604145.

Submissions (2):

Labcorp Genetics (formerly Invitae), Labcorp
Classification: Likely pathogenic for Dilated cardiomyopathy 1G; Autosomal recessive limb-girdle muscular dystrophy type 2J. Last evaluated: 2022-03-07. Review status: criteria provided, single submitter. Criteria: Invitae Variant Classification Sherloc (09022015). Collection method: clinical testing. Allele origin: germline.
Comment: In summary, the currently available evidence indicates that the variant is pathogenic, but additional data are needed to prove that conclusively. Therefore, this variant has been classified as Likely Pathogenic. This variant is located in the A band of TTN (PMID: 25589632). Truncating variants in this region are significantly overrepresented in patients affected with dilated cardiomyopathy (PMID: 25589632). Truncating variants in this region have also been reported in individuals affected with autosomal recessive centronuclear myopathy (PMID: 23975875). Algorithms developed to predict the effect of sequence changes on RNA splicing suggest that this variant may create or strengthen a splice site. ClinVar contains an entry for this variant (Variation ID: 524097). This variant has not been reported in the literature in individuals affected with TTN-related conditions. This variant is not present in population databases (gnomAD no frequency). This sequence change creates a premature translational stop signal (p.Thr26683Argfs*29) in the TTN gene. While this is not anticipated to result in nonsense mediated decay, it is expected to create a truncated TTN protein.

GeneDx
Classification: Likely pathogenic. Last evaluated: 2018-04-17. Review status: criteria provided, single submitter. Criteria: GeneDx Variant Classification (06012015). Collection method: clinical testing. Allele origin: germline. Affected: yes.
Comment: The c.75121_75124dupGACA likely pathogenic variant in the TTN gene has not been published as pathogenic or benign to our knowledge. c.75121_75124dupGACA causes a shift in reading frame starting at codon threonine 25042, changing it to an arginine, and creating a premature stop codon at position 29 of the new reading frame, denoted p.Thr25042ArgfsX29. This variant is expected to result in either an abnormal, truncated protein product or loss of protein from this allele through nonsense-mediated mRNA decay. Other truncating TTN variants have been reported in approximately 3% of control alleles (Herman et al., 2012). However, c.75121_75124dupGACA is located in the A-band region of titin, where the majority of truncating pathogenic variants associated with DCM have been reported (Herman et al., 2012). Moreover, the c.75121_75124dupGACA variant has not been observed in large population cohorts (Lek et al., 2016).

Literature cited by the submitters: PubMed 25589632 (cited by Labcorp Genetics (formerly Invitae), Labcorp); PubMed 23975875 (cited by Labcorp Genetics (formerly Invitae), Labcorp).